The following is an entry in ClinVar:

ClinVar aggregate classification (germline): Uncertain significance. Review status: criteria provided, multiple submitters, no conflicts (2 of 4 stars). 5 submissions from 5 submitters: Uncertain significance (4). 1 of the submissions does not count toward it. Last evaluated 2022-09-13.

Conditions:
Sarcotubular myopathy (LGMDR8). Also called: Hutterite type of muscular dystrophy; Autosomal recessive limb-girdle muscular dystrophy type 2H; MUSCULAR DYSTROPHY, LIMB-GIRDLE, AUTOSOMAL RECESSIVE 8; Limb-girdle muscular dystrophy, type 2H. Identifiers: Orphanet 1878, MedGen C0270968, MONDO:0009683, OMIM 254110.
Bardet-Biedl syndrome 11 (BBS11). Identifiers: Orphanet 110, MedGen C1859569, MONDO:0014439, OMIM 615988.
TRIM32-related disorder. Also called: TRIM32-related condition.
Bardet-Biedl syndrome (BBS). Identifiers: Orphanet 110, MedGen C0752166, MONDO:0015229.

Allele frequency attached by ClinVar (database versions not stated): gnomAD exomes 0.00002 and 0.00001; TOPMed 0.00003; gnomAD 0.00001.
gnomAD v4.1: 36 of 1,614,034 alleles (0.0022%); highest among the groups gnomAD compares: Admixed American, 0.0033%; no homozygotes.

Submissions (5):

Labcorp Genetics (formerly Invitae), Labcorp
Classification: Uncertain significance for Bardet-Biedl syndrome. Last evaluated: 2022-09-13. Review status: criteria provided, single submitter. Criteria: Invitae Variant Classification Sherloc (09022015). Collection method: clinical testing. Allele origin: germline.
Comment: This sequence change replaces alanine, which is neutral and non-polar, with valine, which is neutral and non-polar, at codon 313 of the TRIM32 protein (p.Ala313Val). This variant is present in population databases (rs794727284, gnomAD 0.006%). This variant has not been reported in the literature in individuals affected with TRIM32-related conditions. ClinVar contains an entry for this variant (Variation ID: 195279). Algorithms developed to predict the effect of missense changes on protein structure and function are either unavailable or do not agree on the potential impact of this missense change (SIFT: "Tolerated"; PolyPhen-2: "Possibly Damaging"; Align-GVGD: "Class C0"). In summary, the available evidence is currently insufficient to determine the role of this variant in disease. Therefore, it has been classified as a Variant of Uncertain Significance.

Athena Diagnostics
Classification: Uncertain significance. Last evaluated: 2022-08-22. Review status: criteria provided, single submitter. Criteria: Athena Diagnostics Criteria. Collection method: clinical testing. Allele origin: unknown.

Fulgent Genetics
Classification: Uncertain significance for Sarcotubular myopathy; Bardet-Biedl syndrome 11. Last evaluated: 2022-02-24. Review status: criteria provided, single submitter. Criteria: ACMG Guidelines, 2015. Collection method: clinical testing. Allele origin: unknown.

Eurofins Ntd Llc (ga)
Classification: Uncertain significance. Last evaluated: 2014-05-16. Review status: criteria provided, single submitter. Criteria: EGL Classification Definitions 2015. Collection method: clinical testing. Allele origin: germline. Observed: 1 variant allele, 1 heterozygote.

PreventionGenetics, part of Exact Sciences
Classification: Uncertain significance for TRIM32-related condition. Last evaluated: 2024-06-17. Review status: no assertion criteria provided. Collection method: clinical testing. Allele origin: germline. Not counted in ClinVar's aggregate classification.
Comment: The TRIM32 c.938C>T variant is predicted to result in the amino acid substitution p.Ala313Val. To our knowledge, this variant has not been reported in the literature. This variant is reported in 0.0056% of alleles in individuals of Latino descent in gnomAD. At this time, the clinical significance of this variant is uncertain due to the absence of conclusive functional and genetic evidence.

NM_012210.4(TRIM32):c.938C>T (p.Ala313Val)

Genes: ASTN2 (astrotactin 2; minus strand), TRIM32 (tripartite motif containing 32; plus strand). Cytogenetic location: 9q33.1.
Variant type: single nucleotide variant.
Coding change: c.938C>T on transcript NM_012210.4 (MANE Select); coding-DNA position 938, C replaced by T.
Protein change: p.Ala313Val; replaces alanine 313 with valine.
Molecular consequence: missense variant. On other transcripts: intron variant (3).
Genome position (GRCh38, 1-based): chr9:116,698,680, C>T. VCF-style: chr9-116698680-C-T. GRCh37 (hg19) VCF-style: chr9-119460959-C-T.
Other names: c.938C>T, p.Ala313Val (NM_001099679.2, NM_001379048.1, NM_001379049.1 and 1 more transcripts); c.2653+27091G>A (NM_014010.5); c.2794+27091G>A (NM_001365069.1); c.2806+27091G>A (NM_001365068.1); short protein forms A313V.
Identifiers: ClinVar variation 195279 (VCV000195279.12), dbSNP rs794727284, ClinGen allele CA241626.